The following is an entry in ClinVar:

ClinVar aggregate classification (germline): Uncertain significance (1 of 4 stars; one submission).

Conditions:
BBS10-related disorder. Also called: BBS10-related condition.

Allele frequency attached by ClinVar (database versions not stated): gnomAD exomes 0.00001.

Submission:

PreventionGenetics, part of Exact Sciences
Classification: Uncertain significance for BBS10-related condition. Last evaluated: 2023-10-11. Review status: criteria provided, single submitter. Criteria: ACMG Guidelines, 2015. Collection method: clinical testing. Allele origin: germline.
Comment: The BBS10 c.1101G>C variant is predicted to result in the amino acid substitution p.Leu367Phe. To our knowledge, this variant has not been reported in the literature. This variant is reported in 0.00088% of alleles in individuals of European (Non-Finnish) descent in gnomAD. At this time, the clinical significance of this variant is uncertain due to the absence of conclusive functional and genetic evidence.

NM_024685.4(BBS10):c.1101G>C (p.Leu367Phe)

Gene: BBS10 (Bardet-Biedl syndrome 10; minus strand). Cytogenetic location: 12q21.2.
Variant type: single nucleotide variant.
Coding change: c.1101G>C on transcript NM_024685.4 (MANE Select); coding-DNA position 1101, G replaced by C.
Protein change: p.Leu367Phe; replaces leucine 367 with phenylalanine.
Molecular consequence: missense variant.
Genome position (GRCh38, 1-based): chr12:76,346,884, C>G on the plus strand (G>C on the coding strand, the complement: BBS10 is on the minus strand). VCF-style: chr12-76346884-C-G. GRCh37 (hg19) VCF-style: chr12-76740664-C-G.
Other names: short protein forms L367F.
Identifiers: ClinVar variation 2629229 (VCV002629229.1), dbSNP rs1565809814, ClinGen allele CA385812758.
Genomic context (GRCh38, chr12:76,346,884, plus strand): 5'-TATCAAGCCTAGATGAACATATCTTTTGGATCTAAGGATAAGAGGTTTACAAAATTTCAC[C>G]AAAGCAGTGTTAGGTATTTCACACTGCGAAAAGGCCTGTGGTGGTACAAATGGAGAAAGA-3'
Protein context (NP_078961.3, residues 357-377): FSQCEIPNTA[Leu367Phe]VKFCKPLILR